The following is an entry in ClinVar:

ClinVar aggregate classification (germline): Benign (1 of 4 stars; one submission).

Conditions:
MELAS syndrome (MELAS). Also called: Juvenile myopathy, encephalopathy, lactic acidosis, stroke. Identifiers: Orphanet 550, MedGen C0162671, MONDO:0010789, OMIM 540000.

Submission:

Wong Mito Lab, Molecular and Human Genetics, Baylor College of Medicine
Classification: Benign for MELAS syndrome. Last evaluated: 2019-07-12. Review status: criteria provided, single submitter. Criteria: Modified ACMG Guidelines (Unpublished). Collection method: clinical testing. Allele origin: germline.
Comment: The NC_012920.1:m.15946C>T variant in MT-TT gene is interpreted to be a Benign variant based on the modified ACMG guidelines (unpublished). This variant meets the following evidence codes reported in the guidelines: BS1, BS2, BP4

Literature cited by the submitters: PubMed 31965079.

NC_012920.1(MT-TT):m.15946C>T

Gene: MT-TT (mitochondrially encoded tRNA threonine; plus strand).
Variant type: single nucleotide variant.
Genome position: chrM-15946-C-T.
Identifiers: ClinVar variation 690256 (VCV000690256.1), dbSNP rs202014122, ClinGen allele CA337100608.